The following is an entry in ClinVar:

NM_021615.5(CHST6):c.*1375G>A

Gene: CHST6 (carbohydrate sulfotransferase 6; minus strand). Cytogenetic location: 16q23.1.
Variant type: single nucleotide variant.
Coding change: c.*1375G>A on transcript NM_021615.5 (MANE Select); 1375 bases downstream of the stop codon, G replaced by A.
Molecular consequence: 3 prime UTR variant.
Genome position (GRCh38, 1-based): chr16:75,477,266, C>T on the plus strand (G>A on the coding strand, the complement: CHST6 is on the minus strand). VCF-style: chr16-75477266-C-T. GRCh37 (hg19) VCF-style: chr16-75511164-C-T.
Identifiers: ClinVar variation 320573 (VCV000320573.6), dbSNP rs116020927, ClinGen allele CA10648976.

ClinVar aggregate classification (germline): Benign. Review status: criteria provided, multiple submitters, no conflicts (2 of 4 stars). 2 submissions from 2 submitters: Benign (2). Last evaluated 2018-01-12.

Conditions:
Macular corneal dystrophy (MCD). Also called: GROENOUW TYPE II CORNEAL DYSTROPHY; Macular corneal dystrophy Type I. Identifiers: Orphanet 98969, MedGen C1636149, MONDO:0009020, OMIM 217800.

Allele frequency attached by ClinVar (database versions not stated): 1000 Genomes Project 0.01338; TOPMed 0.01358; 1000 Genomes Project 30x 0.01483.

Submissions (2):

Illumina Laboratory Services, Illumina
Classification: Benign for Macular corneal dystrophy. Last evaluated: 2018-01-12. Review status: criteria provided, single submitter. Criteria: ICSL Variant Classification Criteria 13 December 2019. Collection method: clinical testing. Allele origin: germline.
Comment: This variant was observed in the ICSL laboratory as part of a predisposition screen in an ostensibly healthy population. It had not been previously curated by ICSL or reported in the Human Gene Mutation Database (HGMD: prior to June 1st, 2018), and was therefore a candidate for classification through an automated scoring system. Utilizing variant allele frequency, disease prevalence and penetrance estimates, and inheritance mode, an automated score was calculated to assess if this variant is too frequent to cause the disease. Based on the score and internal cut-off values, a variant classified as benign is not then subjected to further curation. The score for this variant resulted in a classification of benign for this disease.

Breakthrough Genomics
Classification: Benign. Review status: criteria provided, single submitter. Criteria: ACMG Guidelines, 2015. Collection method: not provided. Allele origin: germline. Inheritance: Autosomal recessive inheritance. Affected: yes.